The following is an entry in ClinVar:

NM_004304.5(ALK):c.4741A>T (p.Asn1581Tyr)

Gene: ALK (ALK receptor tyrosine kinase; minus strand). Cytogenetic location: 2p23.2.
Variant type: single nucleotide variant.
Coding change: c.4741A>T on transcript NM_004304.5 (MANE Select); coding-DNA position 4741, A replaced by T.
Protein change: p.Asn1581Tyr; replaces asparagine 1581 with tyrosine.
Molecular consequence: missense variant.
Genome position (GRCh38, 1-based): chr2:29,193,346, T>A on the plus strand (A>T on the coding strand, the complement: ALK is on the minus strand). VCF-style: chr2-29193346-T-A. GRCh37 (hg19) VCF-style: chr2-29416212-T-A.
Other names: c.4741A>T (NM_004304.4); c.1537A>T, p.Asn513Tyr (NM_001353765.2); short protein forms N1581Y, N513Y.
Identifiers: ClinVar variation 3006705 (VCV003006705.6), dbSNP rs1213759986, ClinGen allele CA346460345.

ClinVar aggregate classification (germline): Uncertain significance. Review status: criteria provided, multiple submitters, no conflicts (2 of 4 stars). 3 submissions from 3 submitters: Uncertain significance (3). Last evaluated 2026-06-16.

Conditions:
Neuroblastoma, susceptibility to, 3. Also called: ALK-Related Neuroblastic Tumor Susceptibility. Identifiers: Orphanet 635, MedGen C2751681, MONDO:0013083, OMIM 613014.
Hereditary cancer-predisposing syndrome. Also called: Hereditary Cancer Syndrome; Hereditary neoplastic syndrome; Neoplastic Syndromes, Hereditary; Tumor predisposition. Identifiers: Orphanet 140162, MedGen C0027672, MeSH D009386, MONDO:0015356.

Allele frequency attached by ClinVar (database versions not stated): gnomAD exomes below 0.00001; TOPMed below 0.00001.
gnomAD v4.1: 1 of 1,614,166 alleles (0.000062%); highest among the groups gnomAD compares: Non-Finnish European, 0.000085%; no homozygotes.

Submissions (3):

Ambry Genetics
Classification: Uncertain significance for Hereditary cancer-predisposing syndrome. Last evaluated: 2026-06-16. Review status: criteria provided, single submitter. Criteria: Ambry Variant Classification Scheme 2023. Collection method: clinical testing. Allele origin: germline.
Comment: The p.N1581Y variant (also known as c.4741A>T), located in coding exon 29 of the ALK gene, results from an A to T substitution at nucleotide position 4741. The asparagine at codon 1581 is replaced by tyrosine, an amino acid with dissimilar properties. This amino acid position is conserved. In addition, this alteration is predicted to be tolerated by in silico analysis. Based on the available evidence, the clinical significance of this variant remains unclear.

Dasa
Classification: Uncertain significance. Last evaluated: 2025-11-04. Review status: criteria provided, single submitter. Criteria: DASA Assertion Criteria. Collection method: clinical testing. Allele origin: germline.
Comment: NM_004304.5(ALK):c.4741A>T (p.Asn1581Tyr) is a missense variant that results in the substitution of asparagine with tyrosine. This variant is rare in population databases. The currently available literature and clinical evidence are not sufficient to establish a definitive association between this variant and the reported condition. Therefore, this variant is classified as a variant of uncertain significance.

Labcorp Genetics (formerly Invitae), Labcorp
Classification: Uncertain significance for Neuroblastoma, susceptibility to, 3. Last evaluated: 2023-05-18. Review status: criteria provided, single submitter. Criteria: Invitae Variant Classification Sherloc (09022015). Collection method: clinical testing. Allele origin: germline.
Comment: In summary, the available evidence is currently insufficient to determine the role of this variant in disease. Therefore, it has been classified as a Variant of Uncertain Significance. This sequence change replaces asparagine, which is neutral and polar, with tyrosine, which is neutral and polar, at codon 1581 of the ALK protein (p.Asn1581Tyr). This variant is present in population databases (no rsID available, gnomAD 0.0009%). This variant has not been reported in the literature in individuals affected with ALK-related conditions. An algorithm developed to predict the effect of missense changes on protein structure and function (PolyPhen-2) suggests that this variant is likely to be disruptive.